The following is an entry in ClinVar:

ClinVar aggregate classification (germline): Uncertain significance (1 of 4 stars; one submission).

Conditions:
Cardiovascular phenotype. Identifiers: MedGen CN230736.

gnomAD v4.1: 2 of 1,548,784 alleles (0.00013%); highest among the groups gnomAD compares: Non-Finnish European, 0.00017%; no homozygotes.

Submission:

Ambry Genetics
Classification: Uncertain significance for Cardiovascular phenotype. Last evaluated: 2021-08-22. Review status: criteria provided, single submitter. Criteria: Ambry Variant Classification Scheme 2023. Collection method: clinical testing. Allele origin: germline.
Comment: The p.P1167A variant (also known as c.3499C>G), located in coding exon 2 of the ZNF469 gene, results from a C to G substitution at nucleotide position 3499. The proline at codon 1167 is replaced by alanine, an amino acid with highly similar properties. This amino acid position is conserved. In addition, this alteration is predicted to be tolerated by in silico analysis. Since supporting evidence is limited at this time, the clinical significance of this alteration remains unclear.

NM_001367624.2(ZNF469):c.3583C>G (p.Pro1195Ala)

Gene: ZNF469 (zinc finger protein 469; plus strand). Cytogenetic location: 16q24.2.
Variant type: single nucleotide variant.
Coding change: c.3583C>G on transcript NM_001367624.2 (MANE Select); coding-DNA position 3583, C replaced by G.
Protein change: p.Pro1195Ala; replaces proline 1195 with alanine.
Molecular consequence: missense variant.
Genome position (GRCh38, 1-based): chr16:88,431,053, C>G. VCF-style: chr16-88431053-C-G. GRCh37 (hg19) VCF-style: chr16-88497461-C-G.
Other names: NM_001127464.1:c.3499C>G; short protein forms P1195A.
Identifiers: ClinVar variation 1732006 (VCV001732006.2), dbSNP rs1446601070, ClinGen allele CA397085192.